The following is an entry in ClinVar:

ClinVar aggregate classification (germline): Uncertain significance. Review status: criteria provided, multiple submitters, no conflicts (2 of 4 stars). 2 submissions from 2 submitters: Uncertain significance (2). Last evaluated 2023-11-27.

Conditions:
Inborn genetic diseases. Identifiers: MedGen C0950123, MeSH D030342.
Progressive myoclonic epilepsy type 7. Identifiers: Orphanet 435438, MedGen C4015420, MONDO:0014521, OMIM 616187.

Allele frequency attached by ClinVar (database versions not stated): gnomAD 0.00002; gnomAD exomes below 0.00001 and 0.00001; TOPMed 0.00002.
gnomAD v4.1: 16 of 1,614,114 alleles (0.00099%); highest among the groups gnomAD compares: Non-Finnish European, 0.0012%; no homozygotes.

Submissions (2):

Labcorp Genetics (formerly Invitae), Labcorp
Classification: Uncertain significance for Progressive myoclonic epilepsy type 7. Last evaluated: 2023-11-27. Review status: criteria provided, single submitter. Criteria: Invitae Variant Classification Sherloc (09022015). Collection method: clinical testing. Allele origin: germline.
Comment: This sequence change replaces glutamine, which is neutral and polar, with histidine, which is basic and polar, at codon 232 of the KCNC1 protein (p.Gln232His). This variant is present in population databases (rs775885483, gnomAD 0.0009%). This variant has not been reported in the literature in individuals affected with KCNC1-related conditions. ClinVar contains an entry for this variant (Variation ID: 475359). Advanced modeling of protein sequence and biophysical properties (such as structural, functional, and spatial information, amino acid conservation, physicochemical variation, residue mobility, and thermodynamic stability) performed at Invitae indicates that this missense variant is not expected to disrupt KCNC1 protein function with a negative predictive value of 95%. In summary, the available evidence is currently insufficient to determine the role of this variant in disease. Therefore, it has been classified as a Variant of Uncertain Significance.

Ambry Genetics
Classification: Uncertain significance for Inborn genetic diseases. Last evaluated: 2022-06-06. Review status: criteria provided, single submitter. Criteria: Ambry Variant Classification Scheme 2023. Collection method: clinical testing. Allele origin: germline.

NM_001112741.2(KCNC1):c.696A>C (p.Gln232His)

Gene: KCNC1 (potassium voltage-gated channel subfamily C member 1; plus strand). Cytogenetic location: 11p15.1.
Variant type: single nucleotide variant.
Coding change: c.696A>C on transcript NM_001112741.2 (MANE Select); coding-DNA position 696, A replaced by C.
Protein change: p.Gln232His; replaces glutamine 232 with histidine.
Molecular consequence: missense variant.
Genome position (GRCh38, 1-based): chr11:17,771,790, A>C. VCF-style: chr11-17771790-A-C. GRCh37 (hg19) VCF-style: chr11-17793337-A-C.
Other names: c.696A>C, p.Gln232His (NM_004976.4); short protein forms Q232H.
Identifiers: ClinVar variation 475359 (VCV000475359.10), dbSNP rs775885483, ClinGen allele CA218468488.